The following is an entry in ClinVar:

NM_000030.3(AGXT):c.1049G>T (p.Gly350Val)

Gene: AGXT (alanine--glyoxylate aminotransferase; plus strand). Cytogenetic location: 2q37.3.
Variant type: single nucleotide variant.
Coding change: c.1049G>T on transcript NM_000030.3 (MANE Select); coding-DNA position 1049, G replaced by T.
Protein change: p.Gly350Val; replaces glycine 350 with valine.
Molecular consequence: missense variant.
Genome position (GRCh38, 1-based): chr2:240,878,128, G>T. VCF-style: chr2-240878128-G-T. GRCh37 (hg19) VCF-style: chr2-241817545-G-T.
Other names: short protein forms G350V.
Identifiers: ClinVar variation 4852183 (VCV004852183.1).

ClinVar aggregate classification (germline): Likely pathogenic (1 of 4 stars; one submission).

Conditions:
Primary hyperoxaluria, type I (HP1). Also called: GLYCOLIC ACIDURIA; HEPATIC AGT DEFICIENCY; OXALOSIS I; Primary hyperoxaluria type 1. Identifiers: Orphanet 416, Orphanet 93598, MedGen C0268164, MONDO:0009823, OMIM 259900. Disease mechanism: loss of function.

gnomAD v4.1: 2 of 1,613,028 alleles (0.00012%); highest among the groups gnomAD compares: African/African-American, 0.0027%; no homozygotes.

Submission:

Variantyx, Inc.
Classification: Likely pathogenic for Primary hyperoxaluria, type I. Last evaluated: 2025-03-04. Review status: criteria provided, single submitter. Criteria: Variantyx Assertion Criteria 2022. Collection method: clinical testing. Allele origin: germline. Inheritance: Autosomal recessive inheritance. Affected: yes.
Comment: This is a nonsynonymous variant in the AGXT gene (OMIM: 604285). Pathogenic variants in this gene have been associated with autosomal recessive primary hyperoxaluria type 1 (PMID:3709805];. Alternate amino acid change at this position (p.Gly350Asp) have been previously reported in similarly affected individuals, which suggests that this residue is biologically importance (PMID: 37874369;15464418) (PM5), and multiple computational algorithms predict a deleterious effect for this variant (REVEL score: 0.855) (PP3). This variant has a 0.0027% maximum allele frequency in non-founder control populations (PM2). It has not been reported in individuals with AGXT-related disorders in the databases available for review. Based on the current evidence, this variant is classified as likely pathogenic for autosomal recessive primary hyperoxaluria type 1.

Literature cited by the submitters: PubMed 37874369; PubMed 15464418.